The following is an entry in ClinVar:

ClinVar aggregate classification (germline): Uncertain significance. Review status: criteria provided, multiple submitters, no conflicts (2 of 4 stars). 2 submissions from 2 submitters: Uncertain significance (2). Last evaluated 2023-01-18.

Conditions:
Cystic fibrosis (CF). Also called: MUCOVISCIDOSIS. Identifiers: Orphanet 586, MedGen C0010674, MONDO:0009061, OMIM 219700. Disease mechanism: loss of function.

Submissions (2):

Labcorp Genetics (formerly Invitae), Labcorp
Classification: Uncertain significance for Cystic fibrosis. Last evaluated: 2023-01-18. Review status: criteria provided, single submitter. Criteria: Invitae Variant Classification Sherloc (09022015). Collection method: clinical testing. Allele origin: germline.
Comment: This sequence change replaces glycine, which is neutral and non-polar, with glutamic acid, which is acidic and polar, at codon 1125 of the CFTR protein (p.Gly1125Glu). This variant is not present in population databases (gnomAD no frequency). This variant has not been reported in the literature in individuals affected with CFTR-related conditions. ClinVar contains an entry for this variant (Variation ID: 1730761). Advanced modeling of protein sequence and biophysical properties (such as structural, functional, and spatial information, amino acid conservation, physicochemical variation, residue mobility, and thermodynamic stability) performed at Invitae indicates that this missense variant is not expected to disrupt CFTR protein function. In summary, the available evidence is currently insufficient to determine the role of this variant in disease. Therefore, it has been classified as a Variant of Uncertain Significance.

Ambry Genetics
Classification: Uncertain significance for Cystic fibrosis. Last evaluated: 2021-07-31. Review status: criteria provided, single submitter. Criteria: Ambry Variant Classification Scheme 2023. Collection method: clinical testing. Allele origin: germline.
Comment: The p.G1125E variant (also known as c.3374G>A), located in coding exon 21 of the CFTR gene, results from a G to A substitution at nucleotide position 3374. The glycine at codon 1125 is replaced by glutamic acid, an amino acid with similar properties. This amino acid position is conserved. In addition, this alteration is predicted to be deleterious by in silico analysis. Since supporting evidence is limited at this time, the clinical significance of this alteration remains unclear.

NM_000492.4(CFTR):c.3374G>A (p.Gly1125Glu)

Genes: CFTR (CF transmembrane conductance regulator; plus strand), CFTR-AS2 (CFTR antisense RNA 2; minus strand). Cytogenetic location: 7q31.2.
Variant type: single nucleotide variant.
Coding change: c.3374G>A on transcript NM_000492.4 (MANE Select); coding-DNA position 3374, G replaced by A.
Protein change: p.Gly1125Glu; replaces glycine 1125 with glutamic acid.
Molecular consequence: missense variant.
Genome position (GRCh38, 1-based): chr7:117,614,619, G>A. VCF-style: chr7-117614619-G-A. GRCh37 (hg19) VCF-style: chr7-117254673-G-A.
Other names: short protein forms G1125E.
Identifiers: ClinVar variation 1730761 (VCV001730761.5), dbSNP rs1792455455, ClinGen allele CA368993278.